The following is an entry in ClinVar:

NM_001257180.2(SLC20A2):c.*380C>T

Gene: SLC20A2 (solute carrier family 20 member 2; minus strand). Cytogenetic location: 8p11.21.
Variant type: single nucleotide variant.
Coding change: c.*380C>T on transcript NM_001257180.2 (MANE Select); 380 bases downstream of the stop codon, C replaced by T.
Molecular consequence: 3 prime UTR variant.
Genome position (GRCh38, 1-based): chr8:42,417,423, G>A on the plus strand (C>T on the coding strand, the complement: SLC20A2 is on the minus strand). VCF-style: chr8-42417423-G-A. GRCh37 (hg19) VCF-style: chr8-42274941-G-A.
Other names: c.*380C>T (NM_001257181.2, NM_006749.5).
Identifiers: ClinVar variation 363059 (VCV000363059.6), dbSNP rs72643203, ClinGen allele CA10631104.

ClinVar aggregate classification (germline): Benign. Review status: criteria provided, multiple submitters, no conflicts (2 of 4 stars). 2 submissions from 2 submitters: Benign (2). Last evaluated 2018-01-13.

Conditions:
Idiopathic basal ganglia calcification 1 (PFBC1A). Also called: Familial Idiopathic Basal Ganglia Calcification 2; Familial Idiopathic Basal Ganglia Calcification 3; Primary Familial Brain Calcification; PRIMARY FAMILIAL BRAIN CALCIFICATION 1A, AUTOSOMAL DOMINANT; Fahr's syndrome; Cerebral calcification nonarteriosclerotic idiopathic adult-onset. Identifiers: Orphanet 1980, MedGen C4551624, MONDO:0024538, OMIM 213600.

Allele frequency attached by ClinVar (database versions not stated): 1000 Genomes Project 30x 0.00578; gnomAD 0.01515 and 0.01547; TOPMed 0.01399; gnomAD exomes 0.01405; 1000 Genomes Project 0.00599.
gnomAD v4.1: 2,389 of 159,292 alleles (1.5%); highest among the groups gnomAD compares: Middle Eastern, 2.6%; 25 homozygotes.

Submissions (2):

Illumina Laboratory Services, Illumina
Classification: Benign for Idiopathic basal ganglia calcification 1. Last evaluated: 2018-01-13. Review status: criteria provided, single submitter. Criteria: ICSL Variant Classification Criteria 13 December 2019. Collection method: clinical testing. Allele origin: germline.
Comment: This variant was observed in the ICSL laboratory as part of a predisposition screen in an ostensibly healthy population. It had not been previously curated by ICSL or reported in the Human Gene Mutation Database (HGMD: prior to June 1st, 2018), and was therefore a candidate for classification through an automated scoring system. Utilizing variant allele frequency, disease prevalence and penetrance estimates, and inheritance mode, an automated score was calculated to assess if this variant is too frequent to cause the disease. Based on the score and internal cut-off values, a variant classified as benign is not then subjected to further curation. The score for this variant resulted in a classification of benign for this disease.

Breakthrough Genomics
Classification: Benign. Review status: criteria provided, single submitter. Criteria: ACMG Guidelines, 2015. Collection method: not provided. Allele origin: germline. Inheritance: Autosomal dominant inheritance. Affected: yes.